The following is an entry in ClinVar:

NM_000180.4(GUCY2D):c.992G>T (p.Arg331Leu)

Gene: GUCY2D (guanylate cyclase 2D, retinal; plus strand). Cytogenetic location: 17p13.1.
Variant type: single nucleotide variant.
Coding change: c.992G>T on transcript NM_000180.4 (MANE Select); coding-DNA position 992, G replaced by T.
Protein change: p.Arg331Leu; replaces arginine 331 with leucine.
Molecular consequence: missense variant.
Genome position (GRCh38, 1-based): chr17:8,004,122, G>T. VCF-style: chr17-8004122-G-T. GRCh37 (hg19) VCF-style: chr17-7907440-G-T.
Other names: short protein forms R331L.
Identifiers: ClinVar variation 2948561 (VCV002948561.3), dbSNP rs1238175424, ClinGen allele CA397946348.
Genomic context (GRCh38, chr17:8,004,122, plus strand): 5'-TCACGCGCCACTGTCCCTCTGAAGGCAGCGTGCTGGACAGCCTGCGCAGGGCTCAAGAGC[G>T]CCGCGAGCTGCCCTCTGACCTCAATCTGCAGCAGGTAGACGGTCCCGGGAGGAGGGAAGA-3'
Protein context (NP_000171.1, residues 321-341): VLDSLRRAQE[Arg331Leu]RELPSDLNLQ

ClinVar aggregate classification (germline): Uncertain significance (1 of 4 stars; one submission).

Conditions:
Cone-rod dystrophy 6 (CORD6). Also called: Cone dystrophy progressive; RETINAL CONE DYSTROPHY 2. Identifiers: Orphanet 1872, MedGen C1866293, MONDO:0011143, OMIM 601777.
Leber congenital amaurosis 1 (LCA1). Also called: Congenital absence of the rods and cones; Leber's congenital tapetoretinal degeneration; Leber's congenital tapetoretinal dysplasia; AMAUROSIS CONGENITA OF LEBER I; RETINAL BLINDNESS, CONGENITAL. Identifiers: Orphanet 65, MedGen C2931258, MONDO:0008764, OMIM 204000.

Submission:

Labcorp Genetics (formerly Invitae), Labcorp
Classification: Uncertain significance for Leber congenital amaurosis 1; Cone-rod dystrophy 6. Last evaluated: 2023-06-04. Review status: criteria provided, single submitter. Criteria: Invitae Variant Classification Sherloc (09022015). Collection method: clinical testing. Allele origin: germline.
Comment: In summary, the available evidence is currently insufficient to determine the role of this variant in disease. Therefore, it has been classified as a Variant of Uncertain Significance. Advanced modeling of protein sequence and biophysical properties (such as structural, functional, and spatial information, amino acid conservation, physicochemical variation, residue mobility, and thermodynamic stability) performed at Invitae indicates that this missense variant is not expected to disrupt GUCY2D protein function. This variant has not been reported in the literature in individuals affected with GUCY2D-related conditions. This variant is not present in population databases (gnomAD no frequency). This sequence change replaces arginine, which is basic and polar, with leucine, which is neutral and non-polar, at codon 331 of the GUCY2D protein (p.Arg331Leu).